The following is an entry in ClinVar:

NM_001005242.3(PKP2):c.1138G>A (p.Glu380Lys)

Gene: PKP2 (plakophilin 2; minus strand). Cytogenetic location: 12p11.21.
Variant type: single nucleotide variant.
Coding change: c.1138G>A on transcript NM_001005242.3 (MANE Select); coding-DNA position 1138, G replaced by A.
Protein change: p.Glu380Lys; replaces glutamic acid 380 with lysine.
Molecular consequence: missense variant.
Genome position (GRCh38, 1-based): chr12:32,868,959, C>T on the plus strand (G>A on the coding strand, the complement: PKP2 is on the minus strand). VCF-style: chr12-32868959-C-T. GRCh37 (hg19) VCF-style: chr12-33021893-C-T.
Other names: c.1138G>A, p.Glu380Lys (NM_004572.4); short protein forms E380K.
Identifiers: ClinVar variation 265836 (VCV000265836.20), dbSNP rs878898365, ClinGen allele CA235259932.

ClinVar aggregate classification (germline): Uncertain significance. Review status: criteria provided, multiple submitters, no conflicts (2 of 4 stars). 7 submissions from 7 submitters: Uncertain significance (6). 1 of the submissions does not count toward it. Last evaluated 2025-11-10.

Conditions:
Cardiovascular phenotype. Identifiers: MedGen CN230736.
Cardiomyopathy (CMYO). Also called: Cardiomyopathies. Identifiers: Orphanet 167848, MedGen C0878544, MONDO:0004994, HP:0001638. Inheritance: Various modes of inheritance.
Arrhythmogenic right ventricular cardiomyopathy (ARVD). Also called: Cardiomyopathy, ARVC; Arrhythmogenic right ventricular dysplasia; Arrhythmogenic cardiomyopathy; Arrhythmogenic Right Ventricular Cardiomyopathy (ARVC). Identifiers: Orphanet 247, MedGen C0349788, MeSH D019571, MONDO:0016587. Disease mechanism: loss of function. Inheritance: Various modes of inheritance.
Arrhythmogenic right ventricular dysplasia 9 (ARVD9). Also called: Arrhythmogenic Right Ventricular Dysplasia/Cardiomyopathy 9; ARRHYTHMOGENIC RIGHT VENTRICULAR DYSPLASIA, FAMILIAL, 9. Identifiers: MedGen C1836906, MONDO:0012180, OMIM 609040.

Allele frequency attached by ClinVar (database versions not stated): gnomAD 0.00001; TOPMed 0.00001.
gnomAD v4.1: 11 of 1,613,552 alleles (0.00068%); highest among the groups gnomAD compares: Non-Finnish European, 0.00093%; no homozygotes.

Submissions (7):

Color Diagnostics, LLC DBA Color Health
Classification: Uncertain significance for Cardiomyopathy. Last evaluated: 2025-11-10. Review status: criteria provided, single submitter. Criteria: ACMG Guidelines, 2015. Collection method: clinical testing. Allele origin: germline.
Comment: This missense variant replaces glutamic acid with lysine at codon 380 of the PKP2 protein. Computational prediction suggests that this variant may not impact protein structure and function. To our knowledge, functional studies have not been reported for this variant. This variant has been reported in an individual affected with arrhythmogenic right ventricular cardiomyopathy who also carried a pathogenic variant in the same gene that could explain the observed phenotype (PMID: 26676851, 29253866). This variant has been identified in 11/1613552 chromosomes in the general population by the Genome Aggregation Database (gnomAD). The available evidence is insufficient to determine the role of this variant in disease conclusively. Therefore, this variant is classified as a Variant of Uncertain Significance.

Ambry Genetics
Classification: Uncertain significance for Cardiovascular phenotype. Last evaluated: 2025-09-23. Review status: criteria provided, single submitter. Criteria: Ambry Variant Classification Scheme 2023. Collection method: clinical testing. Allele origin: germline.
Comment: The p.E380K variant (also known as c.1138G>A), located in coding exon 4 of the PKP2 gene, results from a G to A substitution at nucleotide position 1138. The glutamic acid at codon 380 is replaced by lysine, an amino acid with similar properties. This alteration has been reported in an individual with a diagnosis of arrhythmogenic right ventricular cardiomyopathy (ARVC); however, additional alterations in related genes were also identified (Kant S et al. Cardiovasc Res, 2016 Feb;109:260-71). This amino acid position is highly conserved in available vertebrate species. In addition, this alteration is predicted to be tolerated by in silico analysis. Since supporting evidence is limited at this time, the clinical significance of this alteration remains unclear.

Labcorp Genetics (formerly Invitae), Labcorp
Classification: Uncertain significance for Arrhythmogenic right ventricular dysplasia 9. Last evaluated: 2025-09-20. Review status: criteria provided, single submitter. Criteria: Invitae Variant Classification Sherloc (09022015). Collection method: clinical testing. Allele origin: germline.
Comment: This sequence change replaces glutamic acid, which is acidic and polar, with lysine, which is basic and polar, at codon 380 of the PKP2 protein (p.Glu380Lys). This variant is not present in population databases (gnomAD no frequency). This variant has not been reported in the literature in individuals affected with PKP2-related conditions. ClinVar contains an entry for this variant (Variation ID: 265836). An algorithm developed to predict the effect of missense changes on protein structure and function (PolyPhen-2) suggests that this variant is likely to be tolerated. In summary, the available evidence is currently insufficient to determine the role of this variant in disease. Therefore, it has been classified as a Variant of Uncertain Significance.

All of Us Research Program, National Institutes of Health
Classification: Uncertain significance for Arrhythmogenic right ventricular cardiomyopathy. Last evaluated: 2024-04-10. Review status: criteria provided, single submitter. Criteria: ACMG Guidelines, 2015. Collection method: clinical testing. Allele origin: germline. Inheritance: Autosomal dominant inheritance. Observed: 4 variant alleles, 4 heterozygotes.
Comment: This missense variant replaces glutamic acid with lysine at codon 380 of the PKP2 protein. Computational prediction suggests that this variant may not impact protein structure and function (internally defined REVEL score threshold <= 0.5, PMID: 27666373). To our knowledge, functional studies have not been reported for this variant. This variant has been reported in an individual affected with arrhythmogenic right ventricular cardiomyopathy who also carried a pathogenic variant in the same gene that could explain the observed phenotype (PMID: 26676851, 29253866). This variant has not been identified in the general population by the Genome Aggregation Database (gnomAD). The available evidence is insufficient to determine the role of this variant in disease conclusively. Therefore, this variant is classified as a Variant of Uncertain Significance.

This study involves interpretation of variants in research participants for the purpose of population health screening. Participant phenotype was not available at the time of variant classification. Additional details can be found in publication PMID: 35346344, PMCID: PMC8962531

Fulgent Genetics
Classification: Uncertain significance for Arrhythmogenic right ventricular dysplasia 9. Last evaluated: 2021-09-09. Review status: criteria provided, single submitter. Criteria: ACMG Guidelines, 2015. Collection method: clinical testing. Allele origin: unknown.

CHEO Genetics Diagnostic Laboratory, Children's Hospital of Eastern Ontario
Classification: Uncertain significance for Cardiomyopathy. Last evaluated: 2017-09-19. Review status: criteria provided, single submitter. Criteria: ACMG Guidelines, 2015. Collection method: clinical testing. Allele origin: germline. Study: Canadian Open Genetics Repository.

Institut für Laboratoriums- und Transfusionsmedizin, Herz- und Diabeteszentrum Nordrhein-Westfalen
Classification: Uncertain significance for Arrhythmogenic right ventricular dysplasia 9. Last evaluated: 2016-05-01. Review status: no assertion criteria provided. Collection method: clinical testing. Allele origin: germline. Affected: yes. Observed: 1 variant allele. Not counted in ClinVar's aggregate classification.

Literature cited by the submitters: PubMed 26676851 (cited by 3 submitters); PubMed 29253866 (cited by Color Diagnostics, LLC DBA Color Health and All of Us Research Program, National Institutes of Health).